The following is an entry in ClinVar:

NM_003079.5(SMARCE1):c.351C>T (p.Asn117=)

Gene: SMARCE1 (SWI/SNF related BAF chromatin remodeling complex subunit E1; minus strand). Cytogenetic location: 17q21.2.
Variant type: single nucleotide variant.
Coding change: c.351C>T on transcript NM_003079.5 (MANE Select); coding-DNA position 351, C replaced by T.
Protein change: p.Asn117=; no amino-acid change (asparagine 117 retained).
Molecular consequence: synonymous variant.
Genome position (GRCh38, 1-based): chr17:40,636,413, G>A on the plus strand (C>T on the coding strand, the complement: SMARCE1 is on the minus strand). VCF-style: chr17-40636413-G-A. GRCh37 (hg19) VCF-style: chr17-38792665-G-A.
Other names: p.Asn117=.
Identifiers: ClinVar variation 239493 (VCV000239493.49), dbSNP rs149613910, ClinGen allele CA8545269.

ClinVar aggregate classification (germline): Benign/Likely benign. Review status: criteria provided, multiple submitters, no conflicts (2 of 4 stars). 9 submissions from 9 submitters: Benign (2); Likely benign (7). Last evaluated 2026-01-28.

Conditions:
Hereditary cancer-predisposing syndrome. Also called: Tumor predisposition; Hereditary Cancer Syndrome; Neoplastic Syndromes, Hereditary; Hereditary neoplastic syndrome. Identifiers: Orphanet 140162, MedGen C0027672, MeSH D009386, MONDO:0015356.
Meningioma. Also called: Meningioma, somatic. Identifiers: Orphanet 2495, MedGen C0025286, MONDO:0016642, HP:0002858.
Familial meningioma. Also called: Meningioma, familial, susceptibility to. Identifiers: Orphanet 263662, MedGen C3551915, MONDO:0011789, OMIM 607174.

Allele frequency attached by ClinVar (database versions not stated): 1000 Genomes Project 30x 0.00031; TOPMed 0.00033; ESP Exome Variant Server 0.00038; 1000 Genomes Project 0.00040; gnomAD 0.00040 and 0.00041; gnomAD exomes 0.00048 and 0.00068; ExAC 0.00063.
gnomAD v4.1: 1,034 of 1,611,612 alleles (0.064%); highest among the groups gnomAD compares: Non-Finnish European, 0.081%; 2 homozygotes.

Submissions (9):

Labcorp Genetics (formerly Invitae), Labcorp
Classification: Benign for Familial meningioma. Last evaluated: 2026-01-28. Review status: criteria provided, single submitter. Criteria: Invitae Variant Classification Sherloc (09022015). Collection method: clinical testing. Allele origin: germline.

CeGaT Center for Human Genetics Tuebingen
Classification: Likely benign. Last evaluated: 2025-11-01. Review status: criteria provided, single submitter. Criteria: CeGaT Center For Human Genetics Tuebingen Variant Classification Criteria Version 2. Collection method: clinical testing. Allele origin: germline. Affected: yes. Observed: 6 variant alleles.
Comment: SMARCE1: BP4, BP7

Mayo Clinic Laboratories, Mayo Clinic
Classification: Likely benign. Last evaluated: 2025-06-12. Review status: criteria provided, single submitter. Criteria: ACMG Guidelines, 2015. Collection method: clinical testing. Allele origin: germline. Observed: 1 variant allele.
Comment: BS1, BP4, BP7

Blueprint Genetics
Classification: Benign. Last evaluated: 2024-11-21. Review status: criteria provided, single submitter. Criteria: ACMG Guidelines, 2015. Collection method: clinical testing. Allele origin: germline.

ARUP Laboratories, Molecular Genetics and Genomics, ARUP Laboratories
Classification: Likely benign. Last evaluated: 2024-05-28. Review status: criteria provided, single submitter. Criteria: ARUP Molecular Germline Variant Investigation Process 2024. Collection method: clinical testing. Allele origin: germline.

Department of Pathology and Laboratory Medicine, Sinai Health System
Classification: Likely benign for Meningioma. Last evaluated: 2023-06-07. Review status: criteria provided, single submitter. Criteria: ACMG Guidelines, 2015. Collection method: clinical testing. Allele origin: germline. Affected: yes.

Genetic Services Laboratory, University of Chicago
Classification: Likely benign. Last evaluated: 2021-08-16. Review status: criteria provided, single submitter. Criteria: ACMG Guidelines, 2015. Collection method: clinical testing. Allele origin: germline. Affected: no.

GeneDx
Classification: Likely benign. Last evaluated: 2021-02-16. Review status: criteria provided, single submitter. Criteria: GeneDx Variant Classification Process June 2021. Collection method: clinical testing. Allele origin: germline. Affected: yes.

Ambry Genetics
Classification: Likely benign for Hereditary cancer-predisposing syndrome. Last evaluated: 2016-12-03. Review status: criteria provided, single submitter. Criteria: Ambry Variant Classification Scheme 2023. Collection method: clinical testing. Allele origin: germline.